The following is an entry in ClinVar:

ClinVar aggregate classification (germline): Likely pathogenic (1 of 4 stars; one submission).

Conditions:
Renal cysts and diabetes syndrome (RCAD). Also called: Familial hypoplastic, glomerulocystic kidney; MATURITY-ONSET DIABETES OF THE YOUNG, TYPE 5. Identifiers: Orphanet 93111, MedGen C0431693, MONDO:0007669, OMIM 137920.

Submission:

Institute of Human Genetics, FAU Erlangen, Friedrich-Alexander-Universität Erlangen-Nürnberg
Classification: Likely pathogenic for Renal cysts and diabetes syndrome. Last evaluated: 2019-07-06. Review status: criteria provided, single submitter. Criteria: ACMG Guidelines, 2015. Collection method: literature only. Allele origin: germline. Affected: yes.
Comment: This variant and it's classification has been reported by Vasileiou et al. 2019; DOI:10.1101/576918. The variants has previously been reported in PMID:25041077 as "c.274C>T p.Leu92Phe" with clinical significance Likely pathogenic. It has been re-classified using InterVar and manual curation as Likely pathogenic based on PM1 PM2 PP3 PP5.

Literature cited by the submitters: PubMed 25041077; DOI 10.1101/576918.

NM_000458.4(HNF1B):c.274C>T (p.Leu92Phe)

Gene: HNF1B (HNF1 homeobox B; minus strand). Cytogenetic location: 17q12.
Variant type: single nucleotide variant.
Coding change: c.274C>T on transcript NM_000458.4 (MANE Select); coding-DNA position 274, C replaced by T.
Protein change: p.Leu92Phe; replaces leucine 92 with phenylalanine.
Molecular consequence: missense variant.
Genome position (GRCh38, 1-based): chr17:37,744,611, G>A on the plus strand (C>T on the coding strand, the complement: HNF1B is on the minus strand). VCF-style: chr17-37744611-G-A. GRCh37 (hg19) VCF-style: chr17-36104602-G-A.
Other names: c.274C>T, p.Leu92Phe (NM_001165923.4, NM_001304286.2); short protein forms L92F.
Identifiers: ClinVar variation 635718 (VCV000635718.1), dbSNP rs2147598858, ClinGen allele CA398753400.
Genomic context (GRCh38, chr17:37,744,611, plus strand): 5'-GGTCCACCTCCGCCCGCTGCTCCGCCGCCTCCTCGGTGTTGAGCGCCTGCAGCTCCTTGA[G>A]GATGGGAGGTGTGTCATAGTCGTCGCCGTCCTCGGAGCCCTCGTCGCCGGACAAGCGGCC-3'
Protein context (NP_000449.1, residues 82-102): DGDDYDTPPI[Leu92Phe]KELQALNTEE